The following is an entry in ClinVar:

NM_001258329.1(EPB41L1):c.-15+11729G>A

Gene: EPB41L1 (erythrocyte membrane protein band 4.1 like 1; plus strand). Cytogenetic location: 20q11.23.
Variant type: single nucleotide variant.
Coding change: c.-15+11729G>A on transcript NM_001258329.1; 11729 bases into the intron after 15 bases upstream of the start codon, G replaced by A.
Molecular consequence: intron variant. On other transcripts: splice donor variant (1).
Genome position (GRCh38, 1-based): chr20:36,125,528, G>A. VCF-style: chr20-36125528-G-A. GRCh37 (hg19) VCF-style: chr20-34713450-G-A.
Other names: c.-10+13048G>A (NM_001258331.2, NM_001424407.1, NM_001424406.1 and 4 more transcripts); c.84+1G>A (NM_001258330.1).
Identifiers: ClinVar variation 1301595 (VCV001301595.5), dbSNP rs2147709505, ClinGen allele CA2573054866.

ClinVar aggregate classification (germline): Uncertain significance. Review status: criteria provided, single submitter (1 of 4 stars). 2 submissions from 1 submitter: Uncertain significance (1). 1 of the submissions does not count toward it. Last evaluated 2022-12-17.

Conditions:
Intellectual disability, autosomal dominant 11. Identifiers: MedGen C3280285, MONDO:0013658, OMIM 614257.

Submissions (2):

Dubai Health Genomic Medicine Center, Dubai Health
Classification: Uncertain significance. Last evaluated: 2022-12-17. Review status: criteria provided, single submitter. Criteria: ACMG Guidelines, 2015. Collection method: clinical testing. Allele origin: germline. Affected: yes.

Dubai Health Genomic Medicine Center, Dubai Health
Classification: Uncertain significance for Intellectual disability, autosomal dominant 11. Last evaluated: 2020-07-21. Review status: flagged submission. Criteria: ACMG Guidelines, 2015. Collection method: clinical testing. Allele origin: germline. Affected: yes. Not counted in ClinVar's aggregate classification.
Comment: The 84+1G>A variant in EPB41L1 has not been previously reported in individuals with disease and was absent from large population studies such as the Genome Aggregation Database (gnomAD) and the Greater Middle East (GME) Variome Database. This variant occurs in the invariant region (+/- 1/2) of the splice consensus sequence and is predicted to cause altered splicing leading to an abnormal or absent protein. However this variant affects an alternatively spliced exon and despite the fact that human expression data shows that this exon is expressed in several tissues other isoforms lacking this exon might still be expressed leading to normal protein function. In summary more information is needed to determine the clinical significance of this variant.
ClinVar note: Reason: This record appears to be redundant with a more recent record from the same submitter.
ClinVar note: Notes: SCV001984152 appears to be redundant with SCV002775030.